The following is an entry in ClinVar:

NM_017763.6(RNF43):c.2259G>A (p.Glu753=)

Gene: RNF43 (ring finger protein 43; minus strand). Cytogenetic location: 17q22.
Variant type: single nucleotide variant.
Coding change: c.2259G>A on transcript NM_017763.6 (MANE Select); coding-DNA position 2259, G replaced by A.
Protein change: p.Glu753=; no amino-acid change (glutamic acid 753 retained).
Molecular consequence: synonymous variant.
Genome position (GRCh38, 1-based): chr17:58,357,517, C>T on the plus strand (G>A on the coding strand, the complement: RNF43 is on the minus strand). VCF-style: chr17-58357517-C-T. GRCh37 (hg19) VCF-style: chr17-56434878-C-T.
Other names: c.2259G>A, p.Glu753= (NM_001305544.3); c.1878G>A, p.Glu626= (NM_001305545.2).
Identifiers: ClinVar variation 3946909 (VCV003946909.2).

ClinVar aggregate classification (germline): Benign/Likely benign. Review status: criteria provided, multiple submitters, no conflicts (2 of 4 stars). 2 submissions from 2 submitters: Benign (1); Likely benign (1). Last evaluated 2026-07-02.

Conditions:
Sessile serrated polyposis cancer syndrome (SSPCS). Identifiers: Orphanet 157798, MedGen C4310714, MONDO:0014919, OMIM 617108.

Submissions (2):

Myriad Genetics, Inc.
Classification: Benign for Sessile serrated polyposis cancer syndrome. Last evaluated: 2026-07-02. Review status: criteria provided, single submitter. Criteria: Myriad Autosomal Dominant, Autosomal Recessive and X-Linked Classification Criteria (2023). Collection method: clinical testing. Allele origin: unknown.
Comment: This variant is considered benign. This variant is a silent/synonymous amino acid change and it is not expected to impact splicing.

Ambry Genetics
Classification: Likely benign. Last evaluated: 2025-05-23. Review status: criteria provided, single submitter. Criteria: Ambry Variant Classification Scheme 2023. Collection method: clinical testing. Allele origin: germline.